The following is an entry in ClinVar:

ClinVar aggregate classification (germline): Likely benign. Review status: criteria provided, multiple submitters, no conflicts (2 of 4 stars). 2 submissions from 2 submitters: Likely benign (2). Last evaluated 2026-01-15.

Conditions:
Lowe syndrome (OCRL). Also called: Oculocerebrorenal Syndrome; PHOSPHATIDYLINOSITOL 4,5-BISPHOSPHATE 5-PHOSPHATASE DEFICIENCY; LOWE OCULOCEREBRORENAL SYNDROME. Identifiers: Orphanet 534, MedGen C0028860, MONDO:0010645, OMIM 309000.

Allele frequency attached by ClinVar (database versions not stated): TOPMed 0.00002; gnomAD 0.00003 and 0.00004.
gnomAD v4.1: 19 of 1,209,925 alleles (0.0016%); highest among the groups gnomAD compares: Middle Eastern, 0.047%; no homozygotes.

Submissions (2):

Labcorp Genetics (formerly Invitae), Labcorp
Classification: Likely benign for Lowe syndrome. Last evaluated: 2026-01-15. Review status: criteria provided, single submitter. Criteria: Invitae Variant Classification Sherloc (09022015). Collection method: clinical testing. Allele origin: germline.

CeGaT Center for Human Genetics Tuebingen
Classification: Likely benign. Last evaluated: 2023-03-01. Review status: criteria provided, single submitter. Criteria: CeGaT Center For Human Genetics Tuebingen Variant Classification Criteria Version 2. Collection method: clinical testing. Allele origin: germline. Affected: yes. Observed: 1 variant allele.
Comment: OCRL: BP4, BP7

NM_000276.4(OCRL):c.441G>A (p.Gly147=)

Gene: OCRL (OCRL inositol polyphosphate-5-phosphatase; plus strand). Cytogenetic location: Xq26.1.
Variant type: single nucleotide variant.
Coding change: c.441G>A on transcript NM_000276.4 (MANE Select); coding-DNA position 441, G replaced by A.
Protein change: p.Gly147=; no amino-acid change (glycine 147 retained).
Molecular consequence: synonymous variant.
Genome position (GRCh38, 1-based): chrX:129,558,634, G>A. VCF-style: chrX-129558634-G-A. GRCh37 (hg19) VCF-style: chrX-128692611-G-A.
Other names: c.444G>A, p.Gly148= (NM_001318784.2); c.441G>A, p.Gly147= (NM_001587.4).
Identifiers: ClinVar variation 733796 (VCV000733796.33), dbSNP rs199624352, ClinGen allele CA10512035.